The following is an entry in ClinVar:

ClinVar aggregate classification (germline): Uncertain significance (3 of 4 stars; one submission).

Conditions:
Bernard Soulier syndrome (BSS). Also called: BLEEDING DISORDER, PLATELET-TYPE, 1; PLATELET GLYCOPROTEIN Ib DEFICIENCY; VON WILLEBRAND FACTOR RECEPTOR DEFICIENCY; Platelet Glycoprotein 1b, Deficiency of; Giant platelet syndrome; Hemorrhagiparous thrombocytic dystrophy. Identifiers: Orphanet 274, MedGen C0005129, MeSH D001606, MONDO:0009276, OMIM 231200.

Submission:

ClinGen Platelet Disorders Variant Curation Expert Panel, ClinGen
Classification: Uncertain significance for Bernard Soulier syndrome. Last evaluated: 2026-02-05. Review status: reviewed by expert panel. Criteria: ClinGen Platelet ACMG Specifications GP9 V1.0.0. Collection method: curation. Allele origin: germline. Inheritance: Autosomal recessive inheritance.
Comment: The c.230T>A variant in GP9 is a missense variant predicted to cause substitution of Leucine by Glutamine at amino acid 77 (p.Leu77Gln). At least one patient (Patient 1 in PMID: 29119855) with this variant had aggregation absent for ristocetin (aggregation in response to other agonists is not mentioned) as well as less than 10% expression of GPIba measured by flow cytometry, which is highly specific for Bernard-Soulier syndrome. Additionally, the patient had excessive mucocutaneous bleeding and macrothrombocytopenia which are consistent with Bernard-Soulier syndrome (PP4). The computational predictor REVEL gives a score of 0.738, which is above the ClinGen PD VCEP threshold of >0.644 and predicts a damaging effect on function (PP3). This variant is absent from gnomAD v4.1.0 (PM2_Supporting). In summary, this variant meets the criteria to be classified as VUS for autosomal recessive Bernard-Soulier syndrome based on the ACMG/AMP criteria applied, as specified by the ClinGen PD VCEP: PP4, PP3 and PM2_Supporting (VCEP specifications version 1).

NM_000174.5(GP9):c.230T>A (p.Leu77Gln)

Gene: GP9 (glycoprotein IX platelet; plus strand). Cytogenetic location: 3q21.3.
Variant type: single nucleotide variant.
Coding change: c.230T>A on transcript NM_000174.5 (MANE Select); coding-DNA position 230, T replaced by A.
Protein change: p.Leu77Gln; replaces leucine 77 with glutamine.
Molecular consequence: missense variant.
Genome position (GRCh38, 1-based): chr3:129,061,969, T>A. VCF-style: chr3-129061969-T-A. GRCh37 (hg19) VCF-style: chr3-128780812-T-A.
Other names: NM_000174.5:c.230T>A; short protein forms L77Q.
Identifiers: ClinVar variation 4849242 (VCV004849242.1).